The following is an entry in ClinVar:

ClinVar aggregate classification (germline): Uncertain significance (1 of 4 stars; one submission).

Submission:

Ambry Genetics
Classification: Uncertain significance. Last evaluated: 2025-12-16. Review status: criteria provided, single submitter. Criteria: Ambry Variant Classification Scheme 2023. Collection method: clinical testing. Allele origin: germline.
Comment: The p.H1084R variant (also known as c.3251A>G), located in coding exon 26 of the A2ML1 gene, results from an A to G substitution at nucleotide position 3251. The histidine at codon 1084 is replaced by arginine, an amino acid with highly similar properties. This amino acid position is conserved. In addition, this alteration is predicted to be tolerated by in silico analysis. Based on the available evidence, the clinical significance of this variant remains unclear.

NM_144670.6(A2ML1):c.3251A>G (p.His1084Arg)

Gene: A2ML1 (alpha-2-macroglobulin like 1; plus strand). Cytogenetic location: 12p13.31.
Variant type: single nucleotide variant.
Coding change: c.3251A>G on transcript NM_144670.6 (MANE Select); coding-DNA position 3251, A replaced by G.
Protein change: p.His1084Arg; replaces histidine 1084 with arginine.
Molecular consequence: missense variant.
Genome position (GRCh38, 1-based): chr12:8,858,089, A>G. VCF-style: chr12-8858089-A-G. GRCh37 (hg19) VCF-style: chr12-9010685-A-G.
Other names: c.1778A>G, p.His593Arg (NM_001282424.3); short protein forms H1084R, H593R.
Identifiers: ClinVar variation 4842188 (VCV004842188.1).
Genomic context (GRCh38, chr12:8,858,089, plus strand): 5'-AGTGGATGGCAGGAAACCAGCTCCCCAGTGGCTGCTATGCCAACGTGGGAAATCTCCTTC[A>G]CACAGCTATGAAGGTGCGGATCTGTCCAGGAGCCTGCAGCCAACCACTGTCTCGAAGGAC-3'
Protein context (NP_653271.3, residues 1074-1094): GCYANVGNLL[His1084Arg]TAMKGGVDDE